The following is an entry in ClinVar:

ClinVar aggregate classification (germline): Uncertain significance (1 of 4 stars; one submission).

Submission:

Labcorp Genetics (formerly Invitae), Labcorp
Classification: Uncertain significance. Last evaluated: 2025-01-29. Review status: criteria provided, single submitter. Criteria: Invitae Variant Classification Sherloc (09022015). Collection method: clinical testing. Allele origin: germline.
Comment: This sequence change replaces leucine, which is neutral and non-polar, with arginine, which is basic and polar, at codon 453 of the KRT10 protein (p.Leu453Arg). This variant is not present in population databases (gnomAD no frequency). This variant has not been reported in the literature in individuals affected with KRT10-related conditions. Invitae Evidence Modeling of protein sequence and biophysical properties (such as structural, functional, and spatial information, amino acid conservation, physicochemical variation, residue mobility, and thermodynamic stability) has been performed for this missense variant. However, the output from this modeling did not meet the statistical confidence thresholds required to predict the impact of this variant on KRT10 protein function. In summary, the available evidence is currently insufficient to determine the role of this variant in disease. Therefore, it has been classified as a Variant of Uncertain Significance.

NM_000421.5(KRT10):c.1358T>G (p.Leu453Arg)

Genes: KRT10 (keratin 10; minus strand), KRT10-AS1 (KRT10 antisense RNA 1; plus strand). Cytogenetic location: 17q21.2.
Variant type: single nucleotide variant.
Coding change: c.1358T>G on transcript NM_000421.5 (MANE Select); coding-DNA position 1358, T replaced by G.
Protein change: p.Leu453Arg; replaces leucine 453 with arginine.
Molecular consequence: missense variant.
Genome position (GRCh38, 1-based): chr17:40,819,532, A>C on the plus strand (T>G on the coding strand, the complement: KRT10 is on the minus strand). VCF-style: chr17-40819532-A-C. GRCh37 (hg19) VCF-style: chr17-38975784-A-C.
Other names: c.1358T>G, p.Leu453Arg (NM_001379366.1); short protein forms L453R.
Identifiers: ClinVar variation 4716576 (VCV004716576.1).